The following is an entry in ClinVar:

NM_001105206.3(LAMA4):c.279C>T (p.Asp93=)

Gene: LAMA4 (laminin subunit alpha 4; minus strand). Cytogenetic location: 6q21.
Variant type: single nucleotide variant.
Coding change: c.279C>T on transcript NM_001105206.3 (MANE Select); coding-DNA position 279, C replaced by T.
Protein change: p.Asp93=; no amino-acid change (aspartic acid 93 retained).
Molecular consequence: synonymous variant.
Genome position (GRCh38, 1-based): chr6:112,216,386, G>A on the plus strand (C>T on the coding strand, the complement: LAMA4 is on the minus strand). VCF-style: chr6-112216386-G-A. GRCh37 (hg19) VCF-style: chr6-112537587-G-A.
Other names: c.279C>T, p.Asp93= (NM_001105207.3, NM_002290.5).
Identifiers: ClinVar variation 44367 (VCV000044367.17), dbSNP rs397516726, ClinGen allele CA134028.
Genomic context (GRCh38, chr6:112,216,386, plus strand): 5'-GCCCAGTGAAGTACGTGAAGTGTTATAGGTGCCCCAACTTACCACACAGTATCCTGAGCC[G>A]TCCAAACACTCGTTGGAATTGCCATTACAGTCGCAGGGCACACATTCTCCCGACAGGGTG-3'
Protein context (NP_001098676.2, residues 83-103): DCNGNSNECL[Asp93=]GSGYCVHCQR

ClinVar aggregate classification (germline): Likely benign. Review status: criteria provided, multiple submitters, no conflicts (2 of 4 stars). 5 submissions from 5 submitters: Likely benign (5). Last evaluated 2025-02-12.

Conditions:
Cardiovascular phenotype. Identifiers: MedGen CN230736.
Dilated cardiomyopathy 1JJ (CMD1JJ). Identifiers: Orphanet 154, MedGen C3808935, MONDO:0014095, OMIM 615235.

Allele frequency attached by ClinVar (database versions not stated): ExAC 0.00002; gnomAD exomes 0.00004; TOPMed 0.00005; gnomAD 0.00006.
gnomAD v4.1: 57 of 1,612,382 alleles (0.0035%); highest among the groups gnomAD compares: Middle Eastern, 0.033%; no homozygotes.

Submissions (5):

Labcorp Genetics (formerly Invitae), Labcorp
Classification: Likely benign for Dilated cardiomyopathy 1JJ. Last evaluated: 2025-02-12. Review status: criteria provided, single submitter. Criteria: Invitae Variant Classification Sherloc (09022015). Collection method: clinical testing. Allele origin: germline.

Ambry Genetics
Classification: Likely benign for Cardiovascular phenotype. Last evaluated: 2020-11-24. Review status: criteria provided, single submitter. Criteria: Ambry Variant Classification Scheme 2023. Collection method: clinical testing. Allele origin: germline.

GeneDx
Classification: Likely benign. Last evaluated: 2017-03-21. Review status: criteria provided, single submitter. Criteria: GeneDx Variant Classification (06012015). Collection method: clinical testing. Allele origin: germline. Affected: yes.
Comment: This variant is considered likely benign or benign based on one or more of the following criteria: it is a conservative change, it occurs at a poorly conserved position in the protein, it is predicted to be benign by multiple in silico algorithms, and/or has population frequency not consistent with disease.

Laboratory for Molecular Medicine, Mass General Brigham Personalized Medicine
Classification: Likely benign. Last evaluated: 2012-05-01. Review status: criteria provided, single submitter. Criteria: LMM Criteria. Collection method: clinical testing. Allele origin: germline. Observed: 1 variant allele.
Comment: Asp93Asp in exon 3 of LAMA4: This variant is not expected to have clinical signi ficance because it does not alter an amino acid residue and is not located withi n the splice consensus sequence. Asp93Asp in exon 3 of LAMA4 (allele frequency = n/a)

Breakthrough Genomics
Classification: Likely benign. Review status: criteria provided, single submitter. Criteria: ACMG Guidelines, 2015. Collection method: not provided. Allele origin: germline. Inheritance: Autosomal dominant inheritance. Affected: yes.